The following is an entry in ClinVar:

ClinVar aggregate classification (germline): Uncertain significance. Review status: criteria provided, multiple submitters, no conflicts (2 of 4 stars). 2 submissions from 2 submitters: Uncertain significance (2). Last evaluated 2024-01-28.

Conditions:
Arrhythmogenic right ventricular dysplasia 11. Also called: Arrhythmogenic Right Ventricular Dysplasia/Cardiomyopathy11; ARRHYTHMOGENIC RIGHT VENTRICULAR DYSPLASIA, FAMILIAL, 11; Arrhythmogenic right ventricular dysplasia 11 with mild palmoplantar keratoderma and woolly hair. Identifiers: MedGen C1864850, MONDO:0012506, OMIM 610476.

Allele frequency attached by ClinVar (database versions not stated): gnomAD exomes below 0.00001; ExAC 0.00001; gnomAD 0.00001; TOPMed 0.00001; 1000 Genomes Project 30x 0.00016; 1000 Genomes Project 0.00020.
gnomAD v4.1: 1 of 1,613,982 alleles (0.000062%); highest among the groups gnomAD compares: African/African-American, 0.0013%; no homozygotes.

Submissions (2):

Labcorp Genetics (formerly Invitae), Labcorp
Classification: Uncertain significance for Arrhythmogenic right ventricular dysplasia 11. Last evaluated: 2024-01-28. Review status: criteria provided, single submitter. Criteria: Invitae Variant Classification Sherloc (09022015). Collection method: clinical testing. Allele origin: germline.
Comment: This sequence change replaces glutamine, which is neutral and polar, with histidine, which is basic and polar, at codon 430 of the DSC2 protein (p.Gln430His). This variant is present in population databases (rs191461349, gnomAD 0.007%). This missense change has been observed in individual(s) with clinical features of DSC2-related conditions (PMID: 31534214). ClinVar contains an entry for this variant (Variation ID: 636705). Advanced modeling of protein sequence and biophysical properties (such as structural, functional, and spatial information, amino acid conservation, physicochemical variation, residue mobility, and thermodynamic stability) has been performed at Invitae for this missense variant, however the output from this modeling did not meet the statistical confidence thresholds required to predict the impact of this variant on DSC2 protein function. In summary, the available evidence is currently insufficient to determine the role of this variant in disease. Therefore, it has been classified as a Variant of Uncertain Significance.

Blueprint Genetics
Classification: Uncertain significance. Last evaluated: 2018-09-24. Review status: criteria provided, single submitter. Criteria: ACMG Guidelines, 2015. Collection method: clinical testing. Allele origin: germline.

Literature cited by the submitters: PubMed 31534214 (cited by Labcorp Genetics (formerly Invitae), Labcorp).

NM_024422.6(DSC2):c.1290G>C (p.Gln430His)

Gene: DSC2 (desmocollin 2; minus strand). Cytogenetic location: 18q12.1.
Variant type: single nucleotide variant.
Coding change: c.1290G>C on transcript NM_024422.6 (MANE Select); coding-DNA position 1290, G replaced by C.
Protein change: p.Gln430His; replaces glutamine 430 with histidine.
Molecular consequence: missense variant.
Genome position (GRCh38, 1-based): chr18:31,080,326, C>G on the plus strand (G>C on the coding strand, the complement: DSC2 is on the minus strand). VCF-style: chr18-31080326-C-G. GRCh37 (hg19) VCF-style: chr18-28660292-C-G.
Other names: c.1290G>C, p.Gln430His (NM_004949.5); short protein forms Q430H.
Identifiers: ClinVar variation 636705 (VCV000636705.7), dbSNP rs191461349, ClinGen allele CA030816.